The following is an entry in ClinVar:

ClinVar aggregate classification (germline): Uncertain significance. Review status: criteria provided, multiple submitters, no conflicts (2 of 4 stars). 2 submissions from 2 submitters: Uncertain significance (2). Last evaluated 2025-05-08.

Conditions:
SPNS2-related disorder. Also called: SPNS2-related condition.
Hearing loss, autosomal recessive 115. Also called: Deafness, autosomal recessive 115. Identifiers: MedGen C5193108, MONDO:0032762, OMIM 618457.

gnomAD v4.1: 61 of 1,611,530 alleles (0.0038%); highest among the groups gnomAD compares: African/African-American, 0.056%; no homozygotes.

Submissions (2):

PreventionGenetics, part of Exact Sciences
Classification: Uncertain significance for SPNS2-related condition. Last evaluated: 2025-05-08. Review status: criteria provided, single submitter. Criteria: ACMG Guidelines, 2015. Collection method: clinical testing. Allele origin: germline.
Comment: The SPNS2 c.1525C>T variant is predicted to result in the amino acid substitution p.Pro509Ser. To our knowledge, this variant has not been reported in the literature. This variant is reported in 0.062% of alleles in individuals of African descent in gnomAD. Although we suspect that this variant may be benign, at this time, the clinical significance of this variant is uncertain due to the absence of conclusive functional and genetic evidence.

Clinical Genomics Laboratory, Washington University in St. Louis
Classification: Uncertain significance for Hearing loss, autosomal recessive 115. Last evaluated: 2024-03-21. Review status: criteria provided, single submitter. Criteria: ACMG Guidelines, 2015. Collection method: clinical testing. Allele origin: germline.
Comment: The SPNS2 c.1525C>T (p.Pro509Ser) variant, to our knowledge, has not been reported in the medical literature. This variant is only observed on 21/277,716 alleles in the general population (gnomAD v.2.1.1), indicating it is not a common variant. Computational predictors suggest that the variant does not impact SPNS2 function. Due to limited information, and based on ACMG/AMP guidelines for variant interpretation (Richards S et al., PMID: 25741868), the clinical significance of this variant is uncertain at this time.

NM_001124758.3(SPNS2):c.1525C>T (p.Pro509Ser)

Gene: SPNS2 (SPNS lysolipid transporter 2, sphingosine-1-phosphate; plus strand). Cytogenetic location: 17p13.2.
Variant type: single nucleotide variant.
Coding change: c.1525C>T on transcript NM_001124758.3 (MANE Select); coding-DNA position 1525, C replaced by T.
Protein change: p.Pro509Ser; replaces proline 509 with serine.
Molecular consequence: missense variant.
Genome position (GRCh38, 1-based): chr17:4,536,344, C>T. VCF-style: chr17-4536344-C-T. GRCh37 (hg19) VCF-style: chr17-4439639-C-T.
Other names: c.1525C>T (NM_001124758.2); short protein forms P509S.
Identifiers: ClinVar variation 3602590 (VCV003602590.2).